The following is an entry in ClinVar:

ClinVar aggregate classification (germline): Uncertain significance (1 of 4 stars; one submission).

Conditions:
Myopathy, centronuclear, 2 (CNM2). Also called: MYOTUBULAR MYOPATHY, AUTOSOMAL RECESSIVE. Identifiers: Orphanet 169186, MedGen CN031787, MONDO:0009709, OMIM 255200.

gnomAD v4.1: 3 of 1,551,310 alleles (0.00019%); highest among the groups gnomAD compares: Non-Finnish European, 0.00017%; no homozygotes.

Submission:

Labcorp Genetics (formerly Invitae), Labcorp
Classification: Uncertain significance for Myopathy, centronuclear, 2. Last evaluated: 2023-03-18. Review status: criteria provided, single submitter. Criteria: Invitae Variant Classification Sherloc (09022015). Collection method: clinical testing. Allele origin: germline.
Comment: This sequence change replaces proline, which is neutral and non-polar, with serine, which is neutral and polar, at codon 383 of the BIN1 protein (p.Pro383Ser). This variant is not present in population databases (gnomAD no frequency). This variant has not been reported in the literature in individuals affected with BIN1-related conditions. ClinVar contains an entry for this variant (Variation ID: 641518). An algorithm developed to predict the effect of missense changes on protein structure and function (PolyPhen-2) suggests that this variant is likely to be tolerated. Algorithms developed to predict the effect of sequence changes on RNA splicing suggest that this variant may create or strengthen a splice site. In summary, the available evidence is currently insufficient to determine the role of this variant in disease. Therefore, it has been classified as a Variant of Uncertain Significance.

NM_139343.3(BIN1):c.1147C>T (p.Pro383Ser)

Gene: BIN1 (bridging integrator 1; minus strand). Cytogenetic location: 2q14.3.
Variant type: single nucleotide variant.
Coding change: c.1147C>T on transcript NM_139343.3 (MANE Select); coding-DNA position 1147, C replaced by T.
Protein change: p.Pro383Ser; replaces proline 383 with serine.
Molecular consequence: missense variant. On other transcripts: intron variant (12).
Genome position (GRCh38, 1-based): chr2:127,053,997, G>A on the plus strand (C>T on the coding strand, the complement: BIN1 is on the minus strand). VCF-style: chr2-127053997-G-A. GRCh37 (hg19) VCF-style: chr2-127811573-G-A.
Other names: c.1054C>T, p.Pro352Ser (NM_001320641.2); c.1066C>T, p.Pro356Ser (NM_001320642.1); c.1018C>T, p.Pro340Ser (NM_139344.3); c.838-3085C>T (NM_001320634.1); c.910-3085C>T (NM_139351.3); c.910-2754C>T (NM_139350.3); c.910-1635C>T (NM_139349.3); c.1039-2754C>T (NM_139348.3); and 7 more; short protein forms P356S, P352S, P383S, P340S.
Identifiers: ClinVar variation 641518 (VCV000641518.8), dbSNP rs1573549506, ClinGen allele CA348377161.
Genomic context (GRCh38, chr2:127,053,997, plus strand): 5'-TCGTCACGGGCGGGAGGGGGTCAAAGTCCAGGTCCAGCAGACTGGCCTGCTCCGAGAAAG[G>A]CCCCGGGGCCTCAAACTTGGCAGCAGCAGCAGCAGCAGAGGAGGAAGCAGTTAGTGTTAA-3'
Protein context (NP_647593.1, residues 373-393): TTPSQFEAPG[Pro383Ser]FSEQASLLDL